The following is an entry in ClinVar:

ClinVar aggregate classification (germline): Uncertain significance. Review status: criteria provided, multiple submitters, no conflicts (2 of 4 stars). 5 submissions from 5 submitters: Uncertain significance (4). 1 of the submissions does not count toward it. Last evaluated 2025-05-14.

Conditions:
Neuromuscular disease caused by qualitative or quantitative defects of dysferlin. Also called: Dysferlinopathy; Qualitative or quantitative defects of dysferlin. Identifiers: Orphanet 207073, MedGen C2931687, MONDO:0016145.
Autosomal recessive limb-girdle muscular dystrophy type 2B (LGMDR2). Also called: MUSCULAR DYSTROPHY, LIMB-GIRDLE, TYPE 3; Limb-Girdle Muscular Dystrophy Type 2B (LGMD2B); Limb-girdle muscular dystrophy, type 2B; MUSCULAR DYSTROPHY, LIMB-GIRDLE, AUTOSOMAL RECESSIVE 2. Identifiers: Orphanet 268, MedGen C1850889, MONDO:0009676, OMIM 253601.

Allele frequency attached by ClinVar (database versions not stated): ESP Exome Variant Server 0.00008; TOPMed 0.00012; gnomAD 0.00013.
gnomAD v4.1: 81 of 1,614,056 alleles (0.005%); highest among the groups gnomAD compares: Non-Finnish European, 0.0055%; no homozygotes.

Submissions (5):

Labcorp Genetics (formerly Invitae), Labcorp
Classification: Uncertain significance for Neuromuscular disease caused by qualitative or quantitative defects of dysferlin. Last evaluated: 2025-05-14. Review status: criteria provided, single submitter. Criteria: Invitae Variant Classification Sherloc (09022015). Collection method: clinical testing. Allele origin: germline.
Comment: This sequence change replaces glycine, which is neutral and non-polar, with serine, which is neutral and polar, at codon 1660 of the DYSF protein (p.Gly1660Ser). This variant is present in population databases (rs375068646, gnomAD 0.01%). This variant has not been reported in the literature in individuals affected with DYSF-related conditions. ClinVar contains an entry for this variant (Variation ID: 285463). Invitae Evidence Modeling of protein sequence and biophysical properties (such as structural, functional, and spatial information, amino acid conservation, physicochemical variation, residue mobility, and thermodynamic stability) indicates that this missense variant is expected to disrupt DYSF protein function with a positive predictive value of 95%. In summary, the available evidence is currently insufficient to determine the role of this variant in disease. Therefore, it has been classified as a Variant of Uncertain Significance.

Revvity Omics, Revvity
Classification: Uncertain significance. Last evaluated: 2023-10-04. Review status: criteria provided, single submitter. Criteria: ACMG Guidelines, 2015. Collection method: clinical testing. Allele origin: germline.

GeneDx
Classification: Uncertain significance. Last evaluated: 2021-11-03. Review status: criteria provided, single submitter. Criteria: GeneDx Variant Classification Process June 2021. Collection method: clinical testing. Allele origin: germline. Affected: yes.
Comment: Not observed at significant frequency in large population cohorts (Lek et al., 2016); In silico analysis supports that this missense variant has a deleterious effect on protein structure/function; Has not been previously published as pathogenic or benign to our knowledge; This variant is associated with the following publications: (PMID: 24438169)

Eurofins Ntd Llc (ga)
Classification: Uncertain significance. Last evaluated: 2017-04-03. Review status: criteria provided, single submitter. Criteria: EGL Classification Definitions 2015. Collection method: clinical testing. Allele origin: germline. Observed: 2 variant alleles, 2 heterozygotes.

Natera, Inc.
Classification: Uncertain significance for Limb-girdle muscular dystrophy type 2B. Last evaluated: 2019-10-28. Review status: no assertion criteria provided. Collection method: clinical testing. Allele origin: germline. Not counted in ClinVar's aggregate classification.

NM_001130987.2(DYSF):c.5095G>A (p.Gly1699Ser)

Gene: DYSF (dysferlin; plus strand). Cytogenetic location: 2p13.2.
Variant type: single nucleotide variant.
Coding change: c.5095G>A on transcript NM_001130987.2 (MANE Select); coding-DNA position 5095, G replaced by A.
Protein change: p.Gly1699Ser; replaces glycine 1699 with serine.
Molecular consequence: missense variant.
Genome position (GRCh38, 1-based): chr2:71,664,359, G>A. VCF-style: chr2-71664359-G-A. GRCh37 (hg19) VCF-style: chr2-71891489-G-A.
Other names: c.4981G>A, p.Gly1661Ser (NM_001130455.2); c.4936G>A, p.Gly1646Ser (NM_001130976.2); c.4999G>A, p.Gly1667Ser (NM_001130977.2); c.5041G>A, p.Gly1681Ser (NM_001130978.2); c.5071G>A, p.Gly1691Ser (NM_001130979.2); c.5029G>A, p.Gly1677Ser (NM_001130980.2); c.5092G>A, p.Gly1698Ser (NM_001130981.2); c.5074G>A, p.Gly1692Ser (NM_001130982.2); and 5 more; short protein forms G1699S, G1660S, G1647S, G1677S, G1678S, G1682S, G1698S, G1667S.
Identifiers: ClinVar variation 285463 (VCV000285463.13), dbSNP rs375068646, ClinGen allele CA1707243.
Genomic context (GRCh38, chr2:71,664,359, plus strand): 5'-GAGAAGGACCTAAAGATCACTCTCTATGACTATGACCTCCTCTCCAAGGACGAAAAGATC[G>A]GTGAGACGGTCGTCGACCTGGAGAACAGGCTGCTGTCCAAGTTTGGGGCTCGCTGTGGAC-3'
Protein context (NP_001124459.1, residues 1689-1709): YDLLSKDEKI[Gly1699Ser]ETVVDLENRL